The following is an entry in ClinVar:

ClinVar aggregate classification (germline): Uncertain significance. Review status: criteria provided, multiple submitters, no conflicts (2 of 4 stars). 2 submissions from 2 submitters: Uncertain significance (2). Last evaluated 2025-02-13.

Conditions:
DICER1-related tumor predisposition. Also called: DICER1 syndrome; DICER1-related pleuropulmonary blastoma cancer predisposition syndrome. Identifiers: Orphanet 284343, MedGen C3839822, MONDO:0100216.
Hereditary cancer-predisposing syndrome. Also called: Neoplastic Syndromes, Hereditary; Tumor predisposition; Hereditary Cancer Syndrome; Hereditary neoplastic syndrome. Identifiers: Orphanet 140162, MedGen C0027672, MeSH D009386, MONDO:0015356.

Submissions (2):

Labcorp Genetics (formerly Invitae), Labcorp
Classification: Uncertain significance for DICER1-related tumor predisposition. Last evaluated: 2025-02-13. Review status: criteria provided, single submitter. Criteria: Invitae Variant Classification Sherloc (09022015). Collection method: clinical testing. Allele origin: germline.
Comment: This sequence change replaces methionine, which is neutral and non-polar, with threonine, which is neutral and polar, at codon 1456 of the DICER1 protein (p.Met1456Thr). This variant is not present in population databases (gnomAD no frequency). This variant has not been reported in the literature in individuals affected with DICER1-related conditions. ClinVar contains an entry for this variant (Variation ID: 1740054). Invitae Evidence Modeling of protein sequence and biophysical properties (such as structural, functional, and spatial information, amino acid conservation, physicochemical variation, residue mobility, and thermodynamic stability) has been performed for this missense variant. However, the output from this modeling did not meet the statistical confidence thresholds required to predict the impact of this variant on DICER1 protein function. In summary, the available evidence is currently insufficient to determine the role of this variant in disease. Therefore, it has been classified as a Variant of Uncertain Significance.

Ambry Genetics
Classification: Uncertain significance for Hereditary cancer-predisposing syndrome. Last evaluated: 2021-06-25. Review status: criteria provided, single submitter. Criteria: Ambry Variant Classification Scheme 2023. Collection method: clinical testing. Allele origin: germline.
Comment: The p.M1456T variant (also known as c.4367T>C), located in coding exon 22 of the DICER1 gene, results from a T to C substitution at nucleotide position 4367. The methionine at codon 1456 is replaced by threonine, an amino acid with similar properties. This amino acid position is highly conserved in available vertebrate species. In addition, this alteration is predicted to be deleterious by in silico analysis. Since supporting evidence is limited at this time, the clinical significance of this alteration remains unclear.

NM_177438.3(DICER1):c.4367T>C (p.Met1456Thr)

Gene: DICER1 (dicer 1, ribonuclease III; minus strand). Cytogenetic location: 14q32.13.
Variant type: single nucleotide variant.
Coding change: c.4367T>C on transcript NM_177438.3 (MANE Select); coding-DNA position 4367, T replaced by C.
Protein change: p.Met1456Thr; replaces methionine 1456 with threonine.
Molecular consequence: missense variant. On other transcripts: non-coding transcript variant (6).
Genome position (GRCh38, 1-based): chr14:95,096,553, A>G on the plus strand (T>C on the coding strand, the complement: DICER1 is on the minus strand). VCF-style: chr14-95096553-A-G. GRCh37 (hg19) VCF-style: chr14-95562890-A-G.
Other names: c.4367T>C, p.Met1456Thr (NM_001195573.1, NM_001271282.3, NM_001291628.2 and 13 more transcripts); c.4085T>C, p.Met1362Thr (NM_001395686.1); c.3962T>C, p.Met1321Thr (NM_001395687.1, NM_001395688.1, NM_001395689.1 and 2 more transcripts); c.3800T>C, p.Met1267Thr (NM_001395691.1); c.2684T>C, p.Met895Thr (NM_001395697.1); short protein forms M1267T, M1321T, M1362T, M895T, M1456T.
Identifiers: ClinVar variation 1740054 (VCV001740054.3), dbSNP rs2542507418, ClinGen allele CA390869026.
Genomic context (GRCh38, chr14:95,096,553, plus strand): 5'-TCAGTGGTTGAAAAAGGAGAAAGAGAGATTTTCTTTACAAAAGCTCCTGACCCCATTAAC[A>G]TATTATCTATAAATCTGATATGTTCCTGATCATACTCCAGGAAATCATCTTCATAGTCAG-3'
Protein context (NP_803187.1, residues 1446-1466): DQEHIRFIDN[Met1456Thr]LMGSGAFVKK